The following is an entry in ClinVar:

NM_002474.3(MYH11):c.5603A>T (p.Tyr1868Phe)

Genes: MYH11 (myosin heavy chain 11; minus strand), NDE1 (nudE neurodevelopment protein 1; plus strand). Cytogenetic location: 16p13.11.
Variant type: single nucleotide variant.
Coding change: c.5603A>T on transcript NM_002474.3 (MANE Select); coding-DNA position 5603, A replaced by T.
Protein change: p.Tyr1868Phe; replaces tyrosine 1868 with phenylalanine.
Molecular consequence: missense variant. On other transcripts: intron variant (2).
Genome position (GRCh38, 1-based): chr16:15,715,174, T>A on the plus strand (A>T on the coding strand, the complement: MYH11 is on the minus strand). VCF-style: chr16-15715174-T-A. GRCh37 (hg19) VCF-style: chr16-15809031-T-A.
Other names: c.5624A>T, p.Tyr1875Phe (NM_001040113.2, NM_001040114.2); c.5603A>T, p.Tyr1868Phe (NM_022844.3); c.948-9017T>A (NM_001143979.2, NM_017668.3); short protein forms Y1868F, Y1875F.
Identifiers: ClinVar variation 3387161 (VCV003387161.1).

ClinVar aggregate classification (germline): Uncertain significance (1 of 4 stars; one submission).

Conditions:
Familial thoracic aortic aneurysm and aortic dissection (TAAD). Also called: Thoracic aortic aneurysms and dissections. Identifiers: Orphanet 91387, MedGen C4707243, MONDO:0019625.

Submission:

All of Us Research Program, National Institutes of Health
Classification: Uncertain significance for Familial thoracic aortic aneurysm and aortic dissection. Last evaluated: 2024-08-13. Review status: criteria provided, single submitter. Criteria: ACMG Guidelines, 2015. Collection method: clinical testing. Allele origin: germline. Inheritance: Autosomal dominant inheritance. Observed: 1 variant allele, 1 heterozygote.
Comment: This missense variant replaces tyrosine with phenylalanine at codon 1875 of the MYH11 protein. Computational prediction suggests that this variant may not impact protein structure and function (internally defined REVEL score threshold <= 0.5, PMID: 27666373). To our knowledge, functional studies have not been reported for this variant. This variant has not been reported in individuals affected with MYH11-related disorders in the literature. This variant has not been identified in the general population by the Genome Aggregation Database (gnomAD). The available evidence is insufficient to determine the role of this variant in disease conclusively. Therefore, this variant is classified as a Variant of Uncertain Significance.

This study involves interpretation of variants in research participants for the purpose of population health screening. Participant phenotype was not available at the time of variant classification. Additional details can be found in publication PMID: 35346344, PMCID: PMC8962531